The following is an entry in ClinVar:

ClinVar aggregate classification (germline): Uncertain significance (1 of 4 stars; one submission).

Conditions:
Inborn genetic diseases. Identifiers: MedGen C0950123, MeSH D030342.

Allele frequency attached by ClinVar (database versions not stated): gnomAD exomes 0.00077; 1000 Genomes Project 30x 0.00016; TOPMed 0.00033; gnomAD 0.00037.

Submission:

Ambry Genetics
Classification: Uncertain significance for Inborn genetic diseases. Last evaluated: 2026-02-24. Review status: criteria provided, single submitter. Criteria: Ambry Variant Classification Scheme 2023. Collection method: clinical testing. Allele origin: germline.
Comment: The c.908C>G (p.A303G) alteration is located in exon 1 (coding exon 1) of the FOXL2 gene. This alteration results from a C to G substitution at nucleotide position 908, causing the alanine (A) at amino acid position 303 to be replaced by a glycine (G). Based on data from gnomAD, the G allele has an overall frequency of 0.044% (12/27150) total alleles studied. The highest observed frequency was 0.071% (10/14178) of European (non-Finnish) alleles. Based on insufficient or conflicting evidence, the clinical significance of this alteration remains unclear.

NM_023067.4(FOXL2):c.908C>G (p.Ala303Gly)

Gene: FOXL2 (forkhead box L2; minus strand). Cytogenetic location: 3q22.3.
Variant type: single nucleotide variant.
Coding change: c.908C>G on transcript NM_023067.4 (MANE Select); coding-DNA position 908, C replaced by G.
Protein change: p.Ala303Gly; replaces alanine 303 with glycine.
Molecular consequence: missense variant.
Genome position (GRCh38, 1-based): chr3:138,945,815, G>C on the plus strand (C>G on the coding strand, the complement: FOXL2 is on the minus strand). VCF-style: chr3-138945815-G-C. GRCh37 (hg19) VCF-style: chr3-138664657-G-C.
Other names: short protein forms A303G.
Identifiers: ClinVar variation 2351533 (VCV002351533.3), dbSNP rs933696113, ClinGen allele CA83969683.
Genomic context (GRCh38, chr3:138,945,815, plus strand): 5'-CTGAGCTGGCCCGGCGGCGGCGCGGCGGCCCCGTGGTGCGGTGGGGCAGGCGGCGGTGCG[G>C]CGGCCGCGTGCAGATGGTGTGCGTGCGGATGCGGGTGGGGGTGCGGCGGAGGCGGGGGTG-3'
Protein context (NP_075555.1, residues 293-313): HPHAHHLHAA[Ala303Gly]APPPAPPHHG